The following is an entry in ClinVar:

ClinVar aggregate classification (germline): Uncertain significance. Review status: criteria provided, multiple submitters, no conflicts (2 of 4 stars). 2 submissions from 2 submitters: Uncertain significance (2). Last evaluated 2024-08-23.

Submissions (2):

Mayo Clinic Laboratories, Mayo Clinic
Classification: Uncertain significance. Last evaluated: 2024-08-23. Review status: criteria provided, single submitter. Criteria: ACMG Guidelines, 2015. Collection method: clinical testing. Allele origin: germline. Observed: 1 variant allele.
Comment: BP4, PM2

Athena Diagnostics
Classification: Uncertain significance. Last evaluated: 2019-05-02. Review status: criteria provided, single submitter. Criteria: Athena Diagnostics Criteria. Collection method: clinical testing. Allele origin: germline.

NM_015046.7(SETX):c.5328A>C (p.Gln1776His)

Gene: SETX (senataxin; minus strand). Cytogenetic location: 9q34.13.
Variant type: single nucleotide variant.
Coding change: c.5328A>C on transcript NM_015046.7 (MANE Select); coding-DNA position 5328, A replaced by C.
Protein change: p.Gln1776His; replaces glutamine 1776 with histidine.
Molecular consequence: missense variant.
Genome position (GRCh38, 1-based): chr9:132,311,803, T>G on the plus strand (A>C on the coding strand, the complement: SETX is on the minus strand). VCF-style: chr9-132311803-T-G. GRCh37 (hg19) VCF-style: chr9-135187190-T-G.
Other names: p.Gln1776His; c.5328A>C, p.Gln1776His (NM_001351527.2, NM_001351528.2); short protein forms Q1776H.
Identifiers: ClinVar variation 805421 (VCV000805421.2), dbSNP rs1589702061, ClinGen allele CA375320134.
Genomic context (GRCh38, chr9:132,311,803, plus strand): 5'-AAGAAAAAACTTACCTGCAAACTCCCAGTATTTTATATAATCGGCAGGAAATTTTCGTAC[T>G]TGCAACTGATAGAAATTCTCTCTATTTGGAGAGTTGAGCCATTCTTGTGCCACCTATACA-3'
Protein context (NP_055861.3, residues 1766-1786): SPNRENFYQL[Gln1776His]VRKFPADYIK